The following is an entry in ClinVar:

NM_001114748.2(TMEM240):c.*3C>T

Gene: TMEM240 (transmembrane protein 240; minus strand). Cytogenetic location: 1p36.33.
Variant type: single nucleotide variant.
Coding change: c.*3C>T on transcript NM_001114748.2 (MANE Select); 3 bases downstream of the stop codon, C replaced by T.
Molecular consequence: 3 prime UTR variant.
Genome position (GRCh38, 1-based): chr1:1,535,356, G>A on the plus strand (C>T on the coding strand, the complement: TMEM240 is on the minus strand). VCF-style: chr1-1535356-G-A. GRCh37 (hg19) VCF-style: chr1-1470736-G-A.
Identifiers: ClinVar variation 2638046 (VCV002638046.25), dbSNP rs751615791, ClinGen allele CA526624.

ClinVar aggregate classification (germline): Likely benign. Review status: criteria provided, multiple submitters, no conflicts (2 of 4 stars). 2 submissions from 2 submitters: Likely benign (2). Last evaluated 2024-09-03.

Allele frequency attached by ClinVar (database versions not stated): TOPMed 0.00009; gnomAD 0.00015; 1000 Genomes Project 30x 0.00016; gnomAD exomes 0.00028; ExAC 0.00082.

Submissions (2):

Blueprint Genetics
Classification: Likely benign. Last evaluated: 2024-09-03. Review status: criteria provided, single submitter. Criteria: ACMG Guidelines, 2015. Collection method: clinical testing. Allele origin: germline.

CeGaT Center for Human Genetics Tuebingen
Classification: Likely benign. Last evaluated: 2023-08-01. Review status: criteria provided, single submitter. Criteria: CeGaT Center For Human Genetics Tuebingen Variant Classification Criteria Version 2. Collection method: clinical testing. Allele origin: germline. Affected: yes. Observed: 1 variant allele.
Comment: TMEM240: BS1